The following is an entry in ClinVar:

NM_004656.4(BAP1):c.1685T>C (p.Leu562Pro)

Gene: BAP1 (BRCA1 associated deubiquitinase 1; minus strand). Cytogenetic location: 3p21.1.
Variant type: single nucleotide variant.
Coding change: c.1685T>C on transcript NM_004656.4 (MANE Select); coding-DNA position 1685, T replaced by C.
Protein change: p.Leu562Pro; replaces leucine 562 with proline.
Molecular consequence: missense variant.
Genome position (GRCh38, 1-based): chr3:52,403,460, A>G on the plus strand (T>C on the coding strand, the complement: BAP1 is on the minus strand). VCF-style: chr3-52403460-A-G. GRCh37 (hg19) VCF-style: chr3-52437476-A-G.
Other names: c.1631T>C, p.Leu544Pro (NM_001410772.1); short protein forms L544P, L562P.
Identifiers: ClinVar variation 3986430 (VCV003986430.1).
Genomic context (GRCh38, chr3:52,403,460, plus strand): 5'-CCAGTCCAAGGCCCACCTGTCAGCGCCAGGGGACTCAGCACCCCATCCTCAGCCAGGTGC[A>G]GCAGGCCTGTGCTGATGACAGGACCCAGATCACGGACAGCACGGTTGTAGCGTATGCAGT-3'
Protein context (NP_004647.1, residues 552-572): DLGPVISTGL[Leu562Pro]HLAEDGVLSP

ClinVar aggregate classification (germline): Uncertain significance (1 of 4 stars; one submission).

Conditions:
Hereditary cancer-predisposing syndrome. Also called: Tumor predisposition; Hereditary neoplastic syndrome; Neoplastic Syndromes, Hereditary; Hereditary Cancer Syndrome. Identifiers: Orphanet 140162, MedGen C0027672, MeSH D009386, MONDO:0015356.

Submission:

Ambry Genetics
Classification: Uncertain significance for Hereditary cancer-predisposing syndrome. Last evaluated: 2025-04-09. Review status: criteria provided, single submitter. Criteria: Ambry Variant Classification Scheme 2023. Collection method: clinical testing. Allele origin: germline.
Comment: The p.L562P variant (also known as c.1685T>C), located in coding exon 13 of the BAP1 gene, results from a T to C substitution at nucleotide position 1685. The leucine at codon 562 is replaced by proline, an amino acid with similar properties. This amino acid position is conserved. In addition, this alteration is predicted to be deleterious by in silico analysis. Based on the available evidence, the clinical significance of this variant remains unclear.